The following is an entry in ClinVar:

NM_015512.5(DNAH1):c.9660C>T (p.Asn3220=)

Gene: DNAH1 (dynein axonemal heavy chain 1; plus strand). Cytogenetic location: 3p21.1.
Variant type: single nucleotide variant.
Coding change: c.9660C>T on transcript NM_015512.5 (MANE Select); coding-DNA position 9660, C replaced by T.
Protein change: p.Asn3220=; no amino-acid change (asparagine 3220 retained).
Molecular consequence: synonymous variant.
Genome position (GRCh38, 1-based): chr3:52,390,973, C>T. VCF-style: chr3-52390973-C-T. GRCh37 (hg19) VCF-style: chr3-52424989-C-T.
Identifiers: ClinVar variation 757436 (VCV000757436.30), dbSNP rs183262663, ClinGen allele CA2435590.
Genomic context (GRCh38, chr3:52,390,973, plus strand): 5'-TCCAGTGCCTGGCTCTCCACAGATCGCTGGCCTCCCCAACGACACACTGTCAGTGGAGAA[C>T]GGGGTCATCAACCAGTTTTCCCAGCGCTGGACCCACTTCATTGACCCTCAGAGCCAGGCC-3'
Protein context (NP_056327.4, residues 3210-3230): GLPNDTLSVE[Asn3220=]GVINQFSQRW

ClinVar aggregate classification (germline): Likely benign. Review status: criteria provided, multiple submitters, no conflicts (2 of 4 stars). 2 submissions from 2 submitters: Likely benign (2). Last evaluated 2026-01-22.

Conditions:
Spermatogenic failure 18. Identifiers: MedGen C4539783, MONDO:0054615, OMIM 617576.
Ciliary dyskinesia, primary, 37 (CILD37). Also called: CILIARY DYSKINESIA, PRIMARY, 37, WITH OR WITHOUT SITUS INVERSUS. Identifiers: MedGen C4539798, MONDO:0033204, OMIM 617577.

Allele frequency attached by ClinVar (database versions not stated): ExAC below 0.00001; gnomAD exomes 0.00003 and 0.00015; gnomAD 0.00004 and 0.00005; TOPMed 0.00007; 1000 Genomes Project 30x 0.00031; 1000 Genomes Project 0.00040.
gnomAD v4.1: 52 of 1,552,630 alleles (0.0033%); highest among the groups gnomAD compares: Admixed American, 0.061%; no homozygotes.

Submissions (2):

Labcorp Genetics (formerly Invitae), Labcorp
Classification: Likely benign for Ciliary dyskinesia, primary, 37; Spermatogenic failure 18. Last evaluated: 2026-01-22. Review status: criteria provided, single submitter. Criteria: Invitae Variant Classification Sherloc (09022015). Collection method: clinical testing. Allele origin: germline.

CeGaT Center for Human Genetics Tuebingen
Classification: Likely benign. Last evaluated: 2023-03-01. Review status: criteria provided, single submitter. Criteria: CeGaT Center For Human Genetics Tuebingen Variant Classification Criteria Version 2. Collection method: clinical testing. Allele origin: germline. Affected: yes. Observed: 1 variant allele.
Comment: DNAH1: BP4, BP7